The following is an entry in ClinVar:

ClinVar aggregate classification (germline): Uncertain significance. Review status: criteria provided, multiple submitters, no conflicts (2 of 4 stars). 4 submissions from 4 submitters: Uncertain significance (4). Last evaluated 2025-11-19.

Conditions:
Hereditary nonpolyposis colorectal neoplasms. Identifiers: MedGen C0009405, MeSH D003123.
Hereditary cancer-predisposing syndrome. Also called: Neoplastic Syndromes, Hereditary; Hereditary neoplastic syndrome; Tumor predisposition; Hereditary Cancer Syndrome. Identifiers: Orphanet 140162, MedGen C0027672, MeSH D009386, MONDO:0015356.
Lynch syndrome. Identifiers: Orphanet 144, MedGen C4552100, MONDO:0005835. Disease mechanism: loss of function.

Allele frequency attached by ClinVar (database versions not stated): TOPMed 0.00001.

Submissions (4):

Color Diagnostics, LLC DBA Color Health
Classification: Uncertain significance for Hereditary cancer-predisposing syndrome. Last evaluated: 2025-11-19. Review status: criteria provided, single submitter. Criteria: ACMG Guidelines, 2015. Collection method: clinical testing. Allele origin: germline.
Comment: This missense variant replaces glutamic acid with lysine at codon 635 of the PMS2 protein. Computational prediction suggests that this variant may not impact protein structure and function. To our knowledge, functional studies have not been reported for this variant. This variant has not been reported in individuals affected with PMS2-related disorders in the literature. This variant has not been identified in the general population by the Genome Aggregation Database (gnomAD). The available evidence is insufficient to determine the role of this variant in disease conclusively. Therefore, this variant is classified as a Variant of Uncertain Significance.

Labcorp Genetics (formerly Invitae), Labcorp
Classification: Uncertain significance for Hereditary nonpolyposis colorectal neoplasms. Last evaluated: 2025-09-25. Review status: criteria provided, single submitter. Criteria: Invitae Variant Classification Sherloc (09022015). Collection method: clinical testing. Allele origin: germline.
Comment: This sequence change replaces glutamic acid, which is acidic and polar, with lysine, which is basic and polar, at codon 635 of the PMS2 protein (p.Glu635Lys). This variant is not present in population databases (gnomAD no frequency). This variant has not been reported in the literature in individuals affected with PMS2-related conditions. ClinVar contains an entry for this variant (Variation ID: 237895). Invitae Evidence Modeling incorporating data from in vitro experimental studies (internal data) indicates that this missense variant is not expected to disrupt PMS2 function with a negative predictive value of 95%. In summary, the available evidence is currently insufficient to determine the role of this variant in disease. Therefore, it has been classified as a Variant of Uncertain Significance.

All of Us Research Program, National Institutes of Health
Classification: Uncertain significance for Lynch syndrome. Last evaluated: 2024-03-05. Review status: criteria provided, single submitter. Criteria: ACMG Guidelines, 2015. Collection method: clinical testing. Allele origin: germline. Inheritance: Autosomal dominant inheritance. Observed: 1 variant allele, 1 heterozygote.
Comment: This missense variant replaces glutamic acid with lysine at codon 635 of the PMS2 protein. Computational prediction suggests that this variant may not impact protein structure and function (internally defined REVEL score threshold <= 0.5, PMID: 27666373). To our knowledge, functional studies have not been reported for this variant. This variant has not been reported in individuals affected with hereditary cancer in the literature. This variant has not been identified in the general population by the Genome Aggregation Database (gnomAD). The available evidence is insufficient to determine the role of this variant in disease conclusively. Therefore, this variant is classified as a Variant of Uncertain Significance.

This study involves interpretation of variants in research participants for the purpose of population health screening. Participant phenotype was not available at the time of variant classification. Additional details can be found in publication PMID: 35346344, PMCID: PMC8962531

Ambry Genetics
Classification: Uncertain significance for Hereditary cancer-predisposing syndrome. Last evaluated: 2024-02-29. Review status: criteria provided, single submitter. Criteria: Ambry Variant Classification Scheme 2023. Collection method: clinical testing. Allele origin: germline.
Comment: The p.E635K variant (also known as c.1903G>A), located in coding exon 11 of the PMS2 gene, results from a G to A substitution at nucleotide position 1903. The glutamic acid at codon 635 is replaced by lysine, an amino acid with similar properties. This amino acid position is poorly conserved in available vertebrate species. In addition, this alteration is predicted to be tolerated by in silico analysis. Since supporting evidence is limited at this time, the clinical significance of this alteration remains unclear.

Literature cited by the submitters: PubMed 12851690 (cited by Ambry Genetics); PubMed 24362816 (cited by Ambry Genetics).

NM_000535.7(PMS2):c.1903G>A (p.Glu635Lys)

Gene: PMS2 (PMS1 homolog 2, mismatch repair system component; minus strand). Cytogenetic location: 7p22.1.
Variant type: single nucleotide variant.
Coding change: c.1903G>A on transcript NM_000535.7 (MANE Select); coding-DNA position 1903, G replaced by A.
Protein change: p.Glu635Lys; replaces glutamic acid 635 with lysine.
Molecular consequence: missense variant. On other transcripts: non-coding transcript variant (1).
Genome position (GRCh38, 1-based): chr7:5,986,862, C>T on the plus strand (G>A on the coding strand, the complement: PMS2 is on the minus strand). VCF-style: chr7-5986862-C-T. GRCh37 (hg19) VCF-style: chr7-6026493-C-T.
Other names: c.1498G>A, p.Glu500Lys (NM_001322003.2, NM_001322004.2, NM_001322005.2 and 1 more transcripts); c.1747G>A, p.Glu583Lys (NM_001322006.2); c.1585G>A, p.Glu529Lys (NM_001322007.2, NM_001322008.2); c.1342G>A, p.Glu448Lys (NM_001322010.2); c.970G>A, p.Glu324Lys (NM_001322011.2, NM_001322012.2); c.1330G>A, p.Glu444Lys (NM_001322013.2); c.1903G>A, p.Glu635Lys (NM_001322014.2); c.1594G>A, p.Glu532Lys (NM_001322015.2); short protein forms E635K, E324K, E500K, E529K, E532K, E444K, E583K, E448K.
Identifiers: ClinVar variation 237895 (VCV000237895.16), dbSNP rs878854040, ClinGen allele CA10582502.
Genomic context (GRCh38, chr7:5,986,862, plus strand): 5'-CAGGACAAATCTTTGCCCTAAACTTCCTGTAATTCTGTTCCCCTTCACTTTGCTGTGCTT[C>T]ATGATGTAACTGCTTTATTCGTTTAGCTAAAGAACTCATAGAAAAGTCCAGGGGCACAAC-3'
Protein context (NP_000526.2, residues 625-645): LAKRIKQLHH[Glu635Lys]AQQSEGEQNY